The following is an entry in ClinVar:

NM_000548.5(TSC2):c.4398_4401del (p.Ala1467fs)

Gene: TSC2 (TSC complex subunit 2; plus strand). Cytogenetic location: 16p13.3.
Variant type: Deletion.
Coding change: c.4398_4401del on transcript NM_000548.5 (MANE Select); coding-DNA positions 4398 to 4401, 4 bases deleted (GGCC; older notation c.4398_4401delGGCC).
Protein change: p.Ala1467fs; shifts the reading frame from alanine 1467.
Molecular consequence: frameshift variant.
Genome position (GRCh38, 1-based): chr16:2,084,620-2,084,623, GGCC deleted; deleting any 4 consecutive bases within chr16:2,084,619-2,084,623 gives the same sequence; the c. name uses the placement nearest the transcript's 3' end. VCF-style (leftmost placement, unchanged base first): chr16-2084618-TCGGC-T. GRCh37 (hg19) VCF-style: chr16-2134619-TCGGC-T.
Other names: c.4197_4200del, p.Ala1400fs (NM_001077183.3); c.4329_4332del, p.Ala1444fs (NM_001114382.3); c.4089_4092del, p.Ala1364fs (NM_001318827.2); c.4053_4056del, p.Ala1352fs (NM_001318829.2); c.3666_3669del, p.Ala1223fs (NM_001318831.2); c.4230_4233del, p.Ala1411fs (NM_001318832.2); c.4200_4203del, p.Ala1401fs (NM_001363528.2); c.4266_4269del, p.Ala1423fs (NM_001370404.1); and 1 more; short protein forms A1400fs, A1401fs, A1411fs, A1352fs, A1423fs, A1364fs, A1424fs, A1223fs.
Identifiers: ClinVar variation 945453 (VCV000945453.7), dbSNP rs2090530802, ClinGen allele CA1139664282.

ClinVar aggregate classification (germline): Pathogenic (1 of 4 stars; one submission).

Conditions:
Tuberous sclerosis 2 (TSC2). Identifiers: Orphanet 805, MedGen C1860707, MONDO:0013199, OMIM 613254.

Submission:

Labcorp Genetics (formerly Invitae), Labcorp
Classification: Pathogenic for Tuberous sclerosis 2. Last evaluated: 2019-06-12. Review status: criteria provided, single submitter. Criteria: Invitae Variant Classification Sherloc (09022015). Collection method: clinical testing. Allele origin: germline.
Comment: For these reasons, this variant has been classified as Pathogenic. Loss-of-function variants in TSC2 are known to be pathogenic (PMID: 10205261, 17304050). This variant has not been reported in the literature in individuals with TSC2-related conditions. This variant is not present in population databases (ExAC no frequency). This sequence change creates a premature translational stop signal (p.Ala1467Hisfs*8) in the TSC2 gene. It is expected to result in an absent or disrupted protein product.

Literature cited by the submitters: PubMed 10205261; PubMed 17304050.